The following is an entry in ClinVar:

NC_000003.11:g.(?_160083811)_(160099532_?)del

Gene: IFT80 (intraflagellar transport 80; minus strand). Cytogenetic location: 3q25.33.
Variant type: Deletion.
Identifiers: ClinVar variation 2426597 (VCV002426597.4).

ClinVar aggregate classification (germline): Pathogenic (1 of 4 stars; one submission).

Conditions:
Jeune thoracic dystrophy. Also called: Short-rib thoracic dysplasia; Jeune syndrome; Infantile thoracic dystrophy; Thoracic pelvic phalangeal dystrophy; Jeune's syndrome; Chondroectodermal dysplasia-like syndrome. Identifiers: Orphanet 474, MedGen C0265275, MONDO:0018770.

Submission:

Labcorp Genetics (formerly Invitae), Labcorp
Classification: Pathogenic for Jeune thoracic dystrophy. Last evaluated: 2022-07-21. Review status: criteria provided, single submitter. Criteria: Invitae Variant Classification Sherloc (09022015). Collection method: clinical testing. Allele origin: germline.
Comment: For these reasons, this variant has been classified as Pathogenic. This variant has not been reported in the literature in individuals affected with IFT80-related conditions. This variant is a gross deletion of the genomic region encompassing exon(s) 3-6 of the IFT80 gene. This deletion is out-of-frame, and is expected to create a premature termination codon and result in an absent or disrupted protein product. Loss-of-function variants in IFT80 are known to be pathogenic (PMID: 21227999, 23339108, 29068549).

Literature cited by the submitters: PubMed 21227999; PubMed 23339108; PubMed 29068549.